The following is an entry in ClinVar:

NM_003906.5(MCM3AP):c.4229C>T (p.Ser1410Leu)

Genes: MCM3AP (minichromosome maintenance complex component 3 associated protein; minus strand), MCM3AP-AS1 (MCM3AP antisense RNA 1; plus strand). Cytogenetic location: 21q22.3.
Variant type: single nucleotide variant.
Coding change: c.4229C>T on transcript NM_003906.5 (MANE Select); coding-DNA position 4229, C replaced by T.
Protein change: p.Ser1410Leu; replaces serine 1410 with leucine.
Molecular consequence: missense variant. On other transcripts: non-coding transcript variant (2).
Genome position (GRCh38, 1-based): chr21:46,251,590, G>A on the plus strand (C>T on the coding strand, the complement: MCM3AP is on the minus strand). VCF-style: chr21-46251590-G-A. GRCh37 (hg19) VCF-style: chr21-47671504-G-A.
Other names: short protein forms S1410L.
Identifiers: ClinVar variation 5039347 (VCV005039347.1).

ClinVar aggregate classification (germline): Uncertain significance (1 of 4 stars; one submission).

gnomAD v4.1: 25 of 1,612,638 alleles (0.0016%); highest among the groups gnomAD compares: South Asian, 0.0022%; no homozygotes.

Submission:

CeGaT Center for Human Genetics Tuebingen
Classification: Uncertain significance. Last evaluated: 2026-08-01. Review status: criteria provided, single submitter. Criteria: CeGaT Center For Human Genetics Tuebingen Variant Classification Criteria Version 2. Collection method: clinical testing. Allele origin: germline. Affected: yes. Observed: 1 variant allele.
Comment: MCM3AP: PM2, BP4